The following is an entry in ClinVar:

ClinVar aggregate classification (germline): Likely benign (0 of 4 stars; one submission).

Conditions:
STEAP2-related disorder. Also called: STEAP2-related condition.

Allele frequency attached by ClinVar (database versions not stated): ExAC 0.00007; gnomAD 0.00007; TOPMed 0.00007; ESP Exome Variant Server 0.00008; gnomAD exomes 0.00016.

Submission:

PreventionGenetics, part of Exact Sciences
Classification: Likely benign for STEAP2-related condition. Last evaluated: 2020-08-02. Review status: no assertion criteria provided. Collection method: clinical testing. Allele origin: germline.
Comment: This variant is classified as likely benign based on ACMG/AMP sequence variant interpretation guidelines (Richards et al. 2015 PMID: 25741868, with internal and published modifications).

NM_001244944.2(STEAP2):c.219G>T (p.Val73=)

Gene: STEAP2 (STEAP2 metalloreductase; plus strand). Cytogenetic location: 7q21.13.
Variant type: single nucleotide variant.
Coding change: c.219G>T on transcript NM_001244944.2 (MANE Select); coding-DNA position 219, G replaced by T.
Protein change: p.Val73=; no amino-acid change (valine 73 retained).
Molecular consequence: synonymous variant.
Genome position (GRCh38, 1-based): chr7:90,225,301, G>T. VCF-style: chr7-90225301-G-T. GRCh37 (hg19) VCF-style: chr7-89854615-G-T.
Other names: c.219G>T, p.Val73= (NM_001040665.2, NM_001040666.2, NM_001244945.2 and 2 more transcripts).
Identifiers: ClinVar variation 3054027 (VCV003054027.2), dbSNP rs145786195, ClinGen allele CA4332841.